The following is an entry in ClinVar:

NM_003482.4(KMT2D):c.4186G>T (p.Ala1396Ser)

Gene: KMT2D (lysine methyltransferase 2D; minus strand). Cytogenetic location: 12q13.12.
Variant type: single nucleotide variant.
Coding change: c.4186G>T on transcript NM_003482.4 (MANE Select); coding-DNA position 4186, G replaced by T.
Protein change: p.Ala1396Ser; replaces alanine 1396 with serine.
Molecular consequence: missense variant.
Genome position (GRCh38, 1-based): chr12:49,048,015, C>A on the plus strand (G>T on the coding strand, the complement: KMT2D is on the minus strand). VCF-style: chr12-49048015-C-A. GRCh37 (hg19) VCF-style: chr12-49441798-C-A.
Other names: short protein forms A1396S.
Identifiers: ClinVar variation 4281996 (VCV004281996.1).

ClinVar aggregate classification (germline): Uncertain significance (1 of 4 stars; one submission).

Submission:

GeneDx
Classification: Uncertain significance. Last evaluated: 2025-04-11. Review status: criteria provided, single submitter. Criteria: GeneDx Variant Classification Process June 2021. Collection method: clinical testing. Allele origin: germline. Affected: yes.
Comment: Not observed at significant frequency in large population cohorts (gnomAD); In silico analysis indicates that this missense variant does not alter protein structure/function; Has not been previously published as pathogenic or benign to our knowledge